The following is an entry in ClinVar:

ClinVar aggregate classification (germline): Uncertain significance (1 of 4 stars; one submission).

gnomAD v4.1: 1 of 1,614,184 alleles (0.000062%); highest among the groups gnomAD compares: African/African-American, 0.0013%; no homozygotes.

Submission:

Ambry Genetics
Classification: Uncertain significance. Last evaluated: 2025-02-22. Review status: criteria provided, single submitter. Criteria: Ambry Variant Classification Scheme 2023. Collection method: clinical testing. Allele origin: germline.
Comment: The p.G1378D variant (also known as c.4133G>A), located in coding exon 14 of the CDK12 gene, results from a G to A substitution at nucleotide position 4133. The glycine at codon 1378 is replaced by aspartic acid, an amino acid with similar properties. This amino acid position is conserved. In addition, the in silico prediction for this alteration is inconclusive. Based on the available evidence, the clinical significance of this variant remains unclear.

NM_016507.4(CDK12):c.4133G>A (p.Gly1378Asp)

Gene: CDK12 (cyclin dependent kinase 12; plus strand). Cytogenetic location: 17q12.
Variant type: single nucleotide variant.
Coding change: c.4133G>A on transcript NM_016507.4 (MANE Select); coding-DNA position 4133, G replaced by A.
Protein change: p.Gly1378Asp; replaces glycine 1378 with aspartic acid.
Molecular consequence: missense variant.
Genome position (GRCh38, 1-based): chr17:39,530,976, G>A. VCF-style: chr17-39530976-G-A. GRCh37 (hg19) VCF-style: chr17-37687229-G-A.
Other names: c.4106G>A, p.Gly1369Asp (NM_015083.4); short protein forms G1378D, G1369D.
Identifiers: ClinVar variation 3830699 (VCV003830699.1).
Genomic context (GRCh38, chr17:39,530,976, plus strand): 5'-CTGGTCCAGCCTTGACAGAATCCTTGGTCCAGACCCTGGTGAAGAACAGGACCTTCTCAG[G>A]CTCTCTGAGCCACCTTGGGGAGTCCAGCAGTTACCAGGGCACAGGGTCAGTGCAGTTTCC-3'
Protein context (NP_057591.2, residues 1368-1388): QTLVKNRTFS[Gly1378Asp]SLSHLGESSS